The following is an entry in ClinVar:

ClinVar aggregate classification (germline): Pathogenic. Review status: reviewed by expert panel (3 of 4 stars). 2 submissions from 2 submitters: Pathogenic (1). 1 of the submissions does not count toward it. Last evaluated 2016-09-08.

Conditions:
Breast-ovarian cancer, familial, susceptibility to, 2 (BROVCA2). Also called: BRCA2 Hereditary Breast and Ovarian Cancer. Identifiers: Orphanet 145, MedGen C2675520, MONDO:0012933, OMIM 612555. Disease mechanism: loss of function.

Submissions (2):

Evidence-based Network for the Interpretation of Germline Mutant Alleles (ENIGMA)
Classification: Pathogenic for Breast-ovarian cancer, familial, susceptibility to, 2. Last evaluated: 2016-09-08. Review status: reviewed by expert panel. Criteria: ENIGMA BRCA1/2 Classification Criteria (2015). Collection method: curation. Allele origin: germline.
Comment: Variant allele predicted to encode a truncated non-functional protein.

Breast Cancer Information Core (BIC) (BRCA2)
Classification: Pathogenic for Breast-ovarian cancer, familial 2. Last evaluated: 2004-02-20. Review status: no assertion criteria provided. Collection method: clinical testing. Allele origin: germline. Affected: yes. Observed: 1 variant allele. Not counted in ClinVar's aggregate classification.

NM_000059.4(BRCA2):c.7593del (p.Ser2533fs)

Gene: BRCA2 (BRCA2 DNA repair associated; plus strand). Cytogenetic location: 13q13.1.
Variant type: Deletion.
Coding change: c.7593del on transcript NM_000059.4 (MANE Select); coding-DNA position 7593, one base deleted (T; older notation c.7593delT).
Protein change: p.Ser2533fs; shifts the reading frame from serine 2533.
Molecular consequence: frameshift variant.
Genome position (GRCh38, 1-based): chr13:32,356,585, T deleted; the last of 2 consecutive T bases (chr13:32,356,584-32,356,585); deleting either gives the same sequence. VCF-style (leftmost placement, unchanged base first): chr13-32356583-GT-G. GRCh37 (hg19) VCF-style: chr13-32930720-GT-G.
Other names: 7821delT; c.7593delT (NM_000059.3); short protein forms S2533fs.
Identifiers: ClinVar variation 52359 (VCV000052359.2), dbSNP rs80359665, ClinGen allele CA025166.